The following is an entry in ClinVar:

NM_016343.4(CENPF):c.7847C>T (p.Ala2616Val)

Gene: CENPF (centromere protein F; plus strand). Cytogenetic location: 1q41.
Variant type: single nucleotide variant.
Coding change: c.7847C>T on transcript NM_016343.4 (MANE Select); coding-DNA position 7847, C replaced by T.
Protein change: p.Ala2616Val; replaces alanine 2616 with valine.
Molecular consequence: missense variant.
Genome position (GRCh38, 1-based): chr1:214,648,691, C>T. VCF-style: chr1-214648691-C-T. GRCh37 (hg19) VCF-style: chr1-214822034-C-T.
Other names: c.7847C>T (NM_016343.3); short protein forms A2616V.
Identifiers: ClinVar variation 1899525 (VCV001899525.6), dbSNP rs1237485102, ClinGen allele CA344853407.

ClinVar aggregate classification (germline): Uncertain significance. Review status: criteria provided, multiple submitters, no conflicts (2 of 4 stars). 2 submissions from 2 submitters: Uncertain significance (2). Last evaluated 2025-03-22.

Conditions:
Inborn genetic diseases. Identifiers: MedGen C0950123, MeSH D030342.

Allele frequency attached by ClinVar (database versions not stated): gnomAD exomes 0.00001; TOPMed 0.00001.
gnomAD v4.1: 4 of 1,612,604 alleles (0.00025%); highest among the groups gnomAD compares: Admixed American, 0.005%; no homozygotes.

Submissions (2):

Ambry Genetics
Classification: Uncertain significance for Inborn genetic diseases. Last evaluated: 2025-03-22. Review status: criteria provided, single submitter. Criteria: Ambry Variant Classification Scheme 2023. Collection method: clinical testing. Allele origin: germline.

Labcorp Genetics (formerly Invitae), Labcorp
Classification: Uncertain significance. Last evaluated: 2022-10-14. Review status: criteria provided, single submitter. Criteria: Invitae Variant Classification Sherloc (09022015). Collection method: clinical testing. Allele origin: germline.
Comment: In summary, the available evidence is currently insufficient to determine the role of this variant in disease. Therefore, it has been classified as a Variant of Uncertain Significance. Algorithms developed to predict the effect of missense changes on protein structure and function output the following: SIFT: "Tolerated"; PolyPhen-2: "Benign"; Align-GVGD: "Class C0". The valine amino acid residue is found in multiple mammalian species, which suggests that this missense change does not adversely affect protein function. This variant has not been reported in the literature in individuals affected with CENPF-related conditions. This variant is present in population databases (no rsID available, gnomAD 0.003%). This sequence change replaces alanine, which is neutral and non-polar, with valine, which is neutral and non-polar, at codon 2616 of the CENPF protein (p.Ala2616Val).